The following is an entry in ClinVar:

NM_000064.4(C3):c.4330C>T (p.Leu1444Phe)

Gene: C3 (complement C3; minus strand). Cytogenetic location: 19p13.3.
Variant type: single nucleotide variant.
Coding change: c.4330C>T on transcript NM_000064.4 (MANE Select); coding-DNA position 4330, C replaced by T.
Protein change: p.Leu1444Phe; replaces leucine 1444 with phenylalanine.
Molecular consequence: missense variant.
Genome position (GRCh38, 1-based): chr19:6,681,961, G>A on the plus strand (C>T on the coding strand, the complement: C3 is on the minus strand). VCF-style: chr19-6681961-G-A. GRCh37 (hg19) VCF-style: chr19-6681972-G-A.
Other names: short protein forms L1444F.
Identifiers: ClinVar variation 2128527 (VCV002128527.4), dbSNP rs2512229304, ClinGen allele CA403614593.

ClinVar aggregate classification (germline): Uncertain significance (1 of 4 stars; one submission).

gnomAD v4.1: 5 of 1,613,882 alleles (0.00031%); highest among the groups gnomAD compares: Non-Finnish European, 0.00042%; no homozygotes.

Submission:

Labcorp Genetics (formerly Invitae), Labcorp
Classification: Uncertain significance. Last evaluated: 2022-04-20. Review status: criteria provided, single submitter. Criteria: Invitae Variant Classification Sherloc (09022015). Collection method: clinical testing. Allele origin: germline.
Comment: This sequence change replaces leucine, which is neutral and non-polar, with phenylalanine, which is neutral and non-polar, at codon 1444 of the C3 protein (p.Leu1444Phe). This variant is not present in population databases (gnomAD no frequency). This variant has not been reported in the literature in individuals affected with C3-related conditions. Algorithms developed to predict the effect of missense changes on protein structure and function are either unavailable or do not agree on the potential impact of this missense change (SIFT: "Deleterious"; PolyPhen-2: "Probably Damaging"; Align-GVGD: "Class C0"). In summary, the available evidence is currently insufficient to determine the role of this variant in disease. Therefore, it has been classified as a Variant of Uncertain Significance.